The following is an entry in ClinVar:

NM_004214.5(FIBP):c.897C>T (p.Leu299=)

Gene: FIBP (FGF1 intracellular binding protein; minus strand). Cytogenetic location: 11q13.1.
Variant type: single nucleotide variant.
Coding change: c.897C>T on transcript NM_004214.5 (MANE Select); coding-DNA position 897, C replaced by T.
Protein change: p.Leu299=; no amino-acid change (leucine 299 retained).
Molecular consequence: synonymous variant.
Genome position (GRCh38, 1-based): chr11:65,884,579, G>A on the plus strand (C>T on the coding strand, the complement: FIBP is on the minus strand). VCF-style: chr11-65884579-G-A. GRCh37 (hg19) VCF-style: chr11-65652050-G-A.
Other names: c.918C>T, p.Leu306= (NM_198897.2).
Identifiers: ClinVar variation 784194 (VCV000784194.26), dbSNP rs116455583, ClinGen allele CA6111373.

ClinVar aggregate classification (germline): Benign/Likely benign. Review status: criteria provided, multiple submitters, no conflicts (2 of 4 stars). 4 submissions from 4 submitters: Benign (2); Likely benign (1). 1 of the submissions does not count toward it. Last evaluated 2024-08-01.

Conditions:
FIBP-related disorder. Also called: FIBP-related condition.

Allele frequency attached by ClinVar (database versions not stated): gnomAD exomes 0.00082; ExAC 0.00101; 1000 Genomes Project 0.00220; 1000 Genomes Project 30x 0.00234; gnomAD 0.00277 and 0.00307; TOPMed 0.00323; ESP Exome Variant Server 0.00331.
gnomAD v4.1: 1,002 of 1,614,174 alleles (0.062%); highest among the groups gnomAD compares: African/African-American, 0.97%; 5 homozygotes.

Submissions (4):

CeGaT Center for Human Genetics Tuebingen
Classification: Likely benign. Last evaluated: 2024-08-01. Review status: criteria provided, single submitter. Criteria: CeGaT Center For Human Genetics Tuebingen Variant Classification Criteria Version 2. Collection method: clinical testing. Allele origin: germline. Affected: yes. Observed: 3 variant alleles.
Comment: FIBP: BP4, BP7

Labcorp Genetics (formerly Invitae), Labcorp
Classification: Benign. Last evaluated: 2019-12-31. Review status: criteria provided, single submitter. Criteria: Invitae Variant Classification Sherloc (09022015). Collection method: clinical testing. Allele origin: germline.

Breakthrough Genomics
Classification: Benign. Review status: criteria provided, single submitter. Criteria: ACMG Guidelines, 2015. Collection method: not provided. Allele origin: germline. Inheritance: Autosomal recessive inheritance. Affected: yes.

PreventionGenetics, part of Exact Sciences
Classification: Benign for FIBP-related condition. Last evaluated: 2024-01-18. Review status: no assertion criteria provided. Collection method: clinical testing. Allele origin: germline. Not counted in ClinVar's aggregate classification.
Comment: This variant is classified as benign based on ACMG/AMP sequence variant interpretation guidelines (Richards et al. 2015 PMID: 25741868, with internal and published modifications).